The following is an entry in ClinVar:

NM_012208.4(HARS2):c.1254G>C (p.Gln418His)

Gene: HARS2 (histidyl-tRNA synthetase 2, mitochondrial; plus strand). Cytogenetic location: 5q31.3.
Variant type: single nucleotide variant.
Coding change: c.1254G>C on transcript NM_012208.4 (MANE Select); coding-DNA position 1254, G replaced by C.
Protein change: p.Gln418His; replaces glutamine 418 with histidine.
Molecular consequence: missense variant.
Genome position (GRCh38, 1-based): chr5:140,697,625, G>C. VCF-style: chr5-140697625-G-C. GRCh37 (hg19) VCF-style: chr5-140077210-G-C.
Other names: c.1254G>C (NM_012208.3, NM_012208.2); c.1179G>C, p.Gln393His (NM_001278731.2); c.822G>C, p.Gln274His (NM_001278732.2); c.1272G>C, p.Gln424His (NM_001363535.2); c.1044G>C, p.Gln348His (NM_001363536.2); short protein forms Q274H, Q348H, Q393H, Q418H, Q424H.
Identifiers: ClinVar variation 1206267 (VCV001206267.11), dbSNP rs138090816, ClinGen allele CA3444656.
Genomic context (GRCh38, chr5:140,697,625, plus strand): 5'-TTAGACCAAAGGTGAGAAGGTGCGGACTACAGAGACTCAAGTGTTTGTGGCCACACCACA[G>C]AAGAACTTTCTCCAAGAACGGTTGAAGCTTATTGCAGAGCTTTGGGATTCTGGAATCAAG-3'
Protein context (NP_036340.1, residues 408-428): TETQVFVATP[Gln418His]KNFLQERLKL

ClinVar aggregate classification (germline): Uncertain significance. Review status: criteria provided, multiple submitters, no conflicts (2 of 4 stars). 6 submissions from 6 submitters: Uncertain significance (4). 2 of the submissions do not count toward it. Last evaluated 2026-07-21.

Conditions:
Perrault syndrome 2 (PRLTS2). Identifiers: Orphanet 2855, Orphanet 642976, MedGen C3554105, MONDO:0013972, OMIM 614926.
HARS2-related disorder. Also called: HARS2-related condition.
Inborn genetic diseases. Identifiers: MedGen C0950123, MeSH D030342.

Allele frequency attached by ClinVar (database versions not stated): gnomAD exomes 0.00006 and 0.00007; ExAC 0.00008; TOPMed 0.00011; gnomAD 0.00015; 1000 Genomes Project 30x 0.00016; 1000 Genomes Project 0.00020; ESP Exome Variant Server 0.00023.
gnomAD v4.1: 108 of 1,614,130 alleles (0.0067%); highest among the groups gnomAD compares: Middle Eastern, 0.033%; no homozygotes.

Submissions (6):

PreventionGenetics, part of Exact Sciences
Classification: Uncertain significance for HARS2-related condition. Last evaluated: 2026-07-21. Review status: criteria provided, single submitter. Criteria: ACMG Guidelines, 2015. Collection method: clinical testing. Allele origin: germline.
Comment: The HARS2 c.1254G>C variant is predicted to result in the amino acid substitution p.Gln418His. To our knowledge, this variant has not been reported in the literature. This variant is reported in 0.012% of alleles in individuals of European (Non-Finnish) descent in gnomAD. At this time, the clinical significance of this variant is uncertain due to the absence of conclusive functional and genetic evidence.

Ambry Genetics
Classification: Uncertain significance for Inborn genetic diseases. Last evaluated: 2025-10-07. Review status: criteria provided, single submitter. Criteria: Ambry Variant Classification Scheme 2023. Collection method: clinical testing. Allele origin: germline.

GeneDx
Classification: Uncertain significance. Last evaluated: 2024-07-09. Review status: criteria provided, single submitter. Criteria: GeneDx Variant Classification Process June 2021. Collection method: clinical testing. Allele origin: germline. Affected: yes.
Comment: Not observed at significant frequency in large population cohorts (gnomAD); In silico analysis supports that this missense variant has a deleterious effect on protein structure/function; Has not been previously published as pathogenic or benign to our knowledge

Revvity Omics, Revvity
Classification: Uncertain significance for Perrault syndrome 2. Last evaluated: 2020-04-04. Review status: criteria provided, single submitter. Criteria: ACMG Guidelines, 2015. Collection method: clinical testing. Allele origin: germline.

Clinical Genetics DNA and cytogenetics Diagnostics Lab, Erasmus MC, Erasmus Medical Center
Classification: Likely benign. Review status: no assertion criteria provided. Collection method: clinical testing. Allele origin: germline. Affected: yes. Study: VKGL Data-share Consensus. Not counted in ClinVar's aggregate classification.

Laboratory of Diagnostic Genome Analysis, Leiden University Medical Center (LUMC)
Classification: Likely benign. Review status: no assertion criteria provided. Collection method: clinical testing. Allele origin: germline. Affected: yes. Study: VKGL Data-share Consensus. Not counted in ClinVar's aggregate classification.